The following is an entry in ClinVar:

ClinVar aggregate classification (germline): Uncertain significance (1 of 4 stars; one submission).

Conditions:
Orofacial cleft 15 (OFC15). Identifiers: MedGen C4225209, MONDO:0014772, OMIM 616788.

Submission:

Juno Genomics, Hangzhou Juno Genomics, Inc
Classification: Uncertain significance for Orofacial cleft 15. Review status: criteria provided, single submitter. Criteria: ACMG Guidelines, 2015. Collection method: clinical testing. Allele origin: germline.
Comment: Absent from controls (or at extremely low frequency if recessive) in Genome Aggregation Database.;Multiple lines of computational evidence support a deleterious effect on the gene or gene product.

NM_138281.3(DLX4):c.283+5G>C

Gene: DLX4 (distal-less homeobox 4; plus strand). Cytogenetic location: 17q21.33.
Variant type: single nucleotide variant.
Coding change: c.283+5G>C on transcript NM_138281.3 (MANE Select); 5 bases into the intron after coding-DNA position 283, G replaced by C.
Molecular consequence: intron variant.
Genome position (GRCh38, 1-based): chr17:49,969,756, G>C. VCF-style: chr17-49969756-G-C. GRCh37 (hg19) VCF-style: chr17-48047120-G-C.
Identifiers: ClinVar variation 5005770 (VCV005005770.2).
Genomic context (GRCh38, chr17:49,969,756, plus strand): 5'-GGCGCTCTCTCAGCCCCTCTGCGGACCTGCAGAGCACCCTCAGGAACTCGAGGCAGGTAA[G>C]TTCGGCCGTGGAGGCTCTTCCCACCTCTGGGGTTCGGCTCCTGTGCGCCCCTAAACTTCT-3'